The following is an entry in ClinVar:

NM_194277.3(FRMD7):c.2002A>G (p.Lys668Glu)

Gene: FRMD7 (FERM domain containing 7; minus strand). Cytogenetic location: Xq26.2.
Variant type: single nucleotide variant.
Coding change: c.2002A>G on transcript NM_194277.3 (MANE Select); coding-DNA position 2002, A replaced by G.
Protein change: p.Lys668Glu; replaces lysine 668 with glutamic acid.
Molecular consequence: missense variant.
Genome position (GRCh38, 1-based): chrX:132,078,015, T>C on the plus strand (A>G on the coding strand, the complement: FRMD7 is on the minus strand). VCF-style: chrX-132078015-T-C. GRCh37 (hg19) VCF-style: chrX-131212043-T-C.
Other names: c.1957A>G, p.Lys653Glu (NM_001306193.2); short protein forms K653E, K668E.
Identifiers: ClinVar variation 4765514 (VCV004765514.1).

ClinVar aggregate classification (germline): Uncertain significance (1 of 4 stars; one submission).

gnomAD v4.1: 6 of 1,209,115 alleles (0.0005%); highest among the groups gnomAD compares: East Asian, 0.0089%; no homozygotes.

Submission:

Labcorp Genetics (formerly Invitae), Labcorp
Classification: Uncertain significance. Last evaluated: 2025-07-13. Review status: criteria provided, single submitter. Criteria: Invitae Variant Classification Sherloc (09022015). Collection method: clinical testing. Allele origin: germline.
Comment: This sequence change replaces lysine, which is basic and polar, with glutamic acid, which is acidic and polar, at codon 668 of the FRMD7 protein (p.Lys668Glu). This variant is present in population databases (rs180870479, gnomAD 0.02%). This variant has not been reported in the literature in individuals affected with FRMD7-related conditions. An algorithm developed to predict the effect of missense changes on protein structure and function (PolyPhen-2) suggests that this variant is likely to be disruptive. In summary, the available evidence is currently insufficient to determine the role of this variant in disease. Therefore, it has been classified as a Variant of Uncertain Significance.